The following is an entry in ClinVar:

NM_005120.3(MED12):c.4523A>G (p.His1508Arg)

Gene: MED12 (mediator complex subunit 12; plus strand). Cytogenetic location: Xq13.1.
Variant type: single nucleotide variant.
Coding change: c.4523A>G on transcript NM_005120.3 (MANE Select); coding-DNA position 4523, A replaced by G.
Protein change: p.His1508Arg; replaces histidine 1508 with arginine.
Molecular consequence: missense variant.
Genome position (GRCh38, 1-based): chrX:71,132,952, A>G. VCF-style: chrX-71132952-A-G. GRCh37 (hg19) VCF-style: chrX-70352802-A-G.
Other names: NC_000023.10:g.70352802A>G; short protein forms H1508R.
Identifiers: ClinVar variation 2446070 (VCV002446070.2), dbSNP rs1453640644, ClinGen allele CA413528428.
Genomic context (GRCh38, chrX:71,132,952, plus strand): 5'-GTCTGAAAGGGCAGGATGAACAACGCGAGGGACTCCTTACCTCCCTCTACAGCCAGGTGC[A>G]CCAGGTACAGATCTCTGGGCCATGGAGGTGGGCAGGAGGTCAGGGAAGGATGCACCTAAG-3'
Protein context (NP_005111.2, residues 1498-1518): GLLTSLYSQV[His1508Arg]QIVNNWRDDQ

ClinVar aggregate classification (germline): Uncertain significance (1 of 4 stars; one submission).

Allele frequency attached by ClinVar (database versions not stated): TOPMed 0.00002.

Submissions (2):

GeneDx
Classification: Uncertain significance. Last evaluated: 2022-09-22. Review status: criteria provided, single submitter. Criteria: GeneDx Variant Classification Process June 2021. Collection method: clinical testing. Allele origin: germline. Affected: yes.
Comment: Not observed at significant frequency in large population cohorts (gnomAD); In silico analysis supports a deleterious effect on splicing; In silico analysis supports that this missense variant does not alter protein structure/function; Has not been previously published as pathogenic or benign to our knowledge

Dr. Peter K. Rogan Lab, Western University
No classification provided (evidence only). Condition: Nonpapillary renal cell carcinoma. Review status: no classification provided. Collection method: in vitro. Allele origin: not applicable. Functional consequence: retained intron. Not counted in ClinVar's aggregate classification.